The following is an entry in ClinVar:

ClinVar aggregate classification (germline): Uncertain significance. Review status: criteria provided, multiple submitters, no conflicts (2 of 4 stars). 2 submissions from 2 submitters: Uncertain significance (2). Last evaluated 2025-09-08.

Conditions:
Inborn genetic diseases. Identifiers: MedGen C0950123, MeSH D030342.

Allele frequency attached by ClinVar (database versions not stated): ESP Exome Variant Server 0.00015.
gnomAD v4.1: 57 of 1,613,062 alleles (0.0035%); highest among the groups gnomAD compares: African/African-American, 0.012%; no homozygotes.

Submissions (2):

Labcorp Genetics (formerly Invitae), Labcorp
Classification: Uncertain significance. Last evaluated: 2025-09-08. Review status: criteria provided, single submitter. Criteria: Invitae Variant Classification Sherloc (09022015). Collection method: clinical testing. Allele origin: germline.
Comment: This sequence change replaces histidine, which is basic and polar, with tyrosine, which is neutral and polar, at codon 442 of the MYO3A protein (p.His442Tyr). This variant is present in population databases (rs142415484, gnomAD 0.02%). This variant has not been reported in the literature in individuals affected with MYO3A-related conditions. ClinVar contains an entry for this variant (Variation ID: 1367460). Invitae Evidence Modeling of protein sequence and biophysical properties (such as structural, functional, and spatial information, amino acid conservation, physicochemical variation, residue mobility, and thermodynamic stability) has been performed for this missense variant. However, the output from this modeling did not meet the statistical confidence thresholds required to predict the impact of this variant on MYO3A protein function. Algorithms developed to predict the effect of sequence changes on RNA splicing suggest that this variant may disrupt the consensus splice site. In summary, the available evidence is currently insufficient to determine the role of this variant in disease. Therefore, it has been classified as a Variant of Uncertain Significance.

Ambry Genetics
Classification: Uncertain significance for Inborn genetic diseases. Last evaluated: 2024-08-29. Review status: criteria provided, single submitter. Criteria: Ambry Variant Classification Scheme 2023. Collection method: clinical testing. Allele origin: germline.

NM_017433.5(MYO3A):c.1324C>T (p.His442Tyr)

Gene: MYO3A (myosin IIIA; plus strand). Cytogenetic location: 10p12.1.
Variant type: single nucleotide variant.
Coding change: c.1324C>T on transcript NM_017433.5 (MANE Select); coding-DNA position 1324, C replaced by T.
Protein change: p.His442Tyr; replaces histidine 442 with tyrosine.
Molecular consequence: missense variant.
Genome position (GRCh38, 1-based): chr10:26,070,366, C>T. VCF-style: chr10-26070366-C-T. GRCh37 (hg19) VCF-style: chr10-26359295-C-T.
Other names: c.1324C>T (NM_017433.4); short protein forms H442Y.
Identifiers: ClinVar variation 1367460 (VCV001367460.9), dbSNP rs142415484, ClinGen allele CA5444636.